The following is an entry in ClinVar:

ClinVar aggregate classification (germline): Uncertain significance (1 of 4 stars; one submission).

Conditions:
Hereditary cancer-predisposing syndrome. Also called: Neoplastic Syndromes, Hereditary; Tumor predisposition; Hereditary Cancer Syndrome; Hereditary neoplastic syndrome. Identifiers: Orphanet 140162, MedGen C0027672, MeSH D009386, MONDO:0015356.

Submission:

Ambry Genetics
Classification: Uncertain significance for Hereditary cancer-predisposing syndrome. Last evaluated: 2025-10-16. Review status: criteria provided, single submitter. Criteria: Ambry Variant Classification Scheme 2023. Collection method: clinical testing. Allele origin: germline.
Comment: The p.P744A variant (also known as c.2230C>G), located in coding exon 14 of the CDH1 gene, results from a C to G substitution at nucleotide position 2230. The proline at codon 744 is replaced by alanine, an amino acid with highly similar properties. This amino acid position is conserved. In addition, this alteration is predicted to be tolerated by in silico analysis. Based on the available evidence, the clinical significance of this variant remains unclear.

NM_004360.5(CDH1):c.2230C>G (p.Pro744Ala)

Gene: CDH1 (cadherin 1; plus strand). Cytogenetic location: 16q22.1.
Variant type: single nucleotide variant.
Coding change: c.2230C>G on transcript NM_004360.5 (MANE Select); coding-DNA position 2230, C replaced by G.
Protein change: p.Pro744Ala; replaces proline 744 with alanine.
Molecular consequence: missense variant.
Genome position (GRCh38, 1-based): chr16:68,828,239, C>G. VCF-style: chr16-68828239-C-G. GRCh37 (hg19) VCF-style: chr16-68862142-C-G.
Other names: c.2047C>G, p.Pro683Ala (NM_001317184.2); c.682C>G, p.Pro228Ala (NM_001317185.2); c.265C>G, p.Pro89Ala (NM_001317186.2); short protein forms P683A, P89A, P228A, P744A.
Identifiers: ClinVar variation 4632543 (VCV004632543.1).